The following is an entry in ClinVar:

ClinVar aggregate classification (germline): Conflicting classifications of pathogenicity. Review status: criteria provided, conflicting classifications (1 of 4 stars). 2 submissions from 2 submitters: Uncertain significance (1); Likely benign (1). Last evaluated 2026-07-06.

Conditions:
DYNC2H1-related disorder. Also called: DYNC2H1-related disorders; DYNC2H1-related condition. Identifiers: MedGen CN378770.
Jeune thoracic dystrophy. Also called: Jeune syndrome; Infantile thoracic dystrophy; Thoracic pelvic phalangeal dystrophy; Jeune's syndrome; Chondroectodermal dysplasia-like syndrome; Short-rib thoracic dysplasia. Identifiers: Orphanet 474, MedGen C0265275, MONDO:0018770.

Allele frequency attached by ClinVar (database versions not stated): TOPMed 0.00025; ESP Exome Variant Server 0.00034; 1000 Genomes Project 30x 0.00078; 1000 Genomes Project 0.00080; gnomAD exomes 0.00003; ExAC 0.00014; gnomAD 0.00025.
gnomAD v4.1: 77 of 1,612,102 alleles (0.0048%); highest among the groups gnomAD compares: African/African-American, 0.069%; no homozygotes.

Submissions (2):

PreventionGenetics, part of Exact Sciences
Classification: Uncertain significance for DYNC2H1-related condition. Last evaluated: 2026-07-06. Review status: criteria provided, single submitter. Criteria: ACMG Guidelines, 2015. Collection method: clinical testing. Allele origin: germline.
Comment: The DYNC2H1 c.11260G>A variant is predicted to result in the amino acid substitution p.Gly3754Arg. To our knowledge, this variant has not been reported in the literature. This variant is reported in 0.087% of alleles in individuals of African descent in gnomAD. Although we suspect that this variant may be benign, at this time, the clinical significance of this variant is uncertain due to the absence of conclusive functional and genetic evidence.

Labcorp Genetics (formerly Invitae), Labcorp
Classification: Likely benign for Jeune thoracic dystrophy. Last evaluated: 2026-01-27. Review status: criteria provided, single submitter. Criteria: Invitae Variant Classification Sherloc (09022015). Collection method: clinical testing. Allele origin: germline.

NM_001377.3(DYNC2H1):c.11239G>A (p.Gly3747Arg)

Gene: DYNC2H1 (dynein cytoplasmic 2 heavy chain 1; plus strand). Cytogenetic location: 11q22.3.
Variant type: single nucleotide variant.
Coding change: c.11239G>A on transcript NM_001377.3 (MANE Select); coding-DNA position 11239, G replaced by A.
Protein change: p.Gly3747Arg; replaces glycine 3747 with arginine.
Molecular consequence: missense variant.
Genome position (GRCh38, 1-based): chr11:103,303,236, G>A. VCF-style: chr11-103303236-G-A. GRCh37 (hg19) VCF-style: chr11-103173965-G-A.
Other names: c.11260G>A (NM_001080463.1); c.11260G>A, p.Gly3754Arg (NM_001080463.2); short protein forms G3747R, G3754R.
Identifiers: ClinVar variation 2766928 (VCV002766928.4), dbSNP rs371942867, ClinGen allele CA6255185.